The following is an entry in ClinVar:

NM_000117.3(EMD):c.266-35_266-18dup

Gene: EMD (emerin; plus strand). Cytogenetic location: Xq28.
Variant type: Duplication.
Coding change: c.266-35_266-18dup on transcript NM_000117.3 (MANE Select); 35 bases into the intron before coding-DNA position 266 through 18 bases into the intron before coding-DNA position 266, 18 bases duplicated (ATGCCCCCTCTGCTACCG).
Molecular consequence: intron variant.
Genome position (GRCh38, 1-based): chrX:154,380,199-154,380,216, ATGCCCCCTCTGCTACCG duplicated; duplicating any 18 consecutive bases within chrX:154,380,195-154,380,216 gives the same sequence; the c. name uses the placement nearest the transcript's 3' end. VCF-style (leftmost placement, unchanged base first): chrX-154380194-C-CACCGATGCCCCCTCTGCT. GRCh37 (hg19) VCF-style: chrX-153608554-C-CACCGATGCCCCCTCTGCT.
Other names: c.266-35_266-18dup (NM_000117.2).
Identifiers: ClinVar variation 1183038 (VCV001183038.5), dbSNP rs200992013, ClinGen allele CA10561558.

ClinVar aggregate classification (germline): Benign. Review status: criteria provided, multiple submitters, no conflicts (2 of 4 stars). 4 submissions from 4 submitters: Benign (3). 1 of the submissions does not count toward it. Last evaluated 2025-04-09.

Conditions:
Emery-Dreifuss muscular dystrophy (EDMD). Also called: Scapuloperoneal syndrome, X-linked (formerly); Humeroperoneal neuromuscular disease, (formerly). Identifiers: Orphanet 261, MedGen C0410189, MONDO:0016830.

Submissions (4):

Molecular Diagnostic Laboratory for Inherited Cardiovascular Disease, Montreal Heart Institute
Classification: Benign. Last evaluated: 2025-04-09. Review status: criteria provided, single submitter. Criteria: ACMG Guidelines, 2015. Collection method: clinical testing. Allele origin: germline. Affected: no.

Women's Health and Genetics/Laboratory Corporation of America, LabCorp
Classification: Benign. Last evaluated: 2021-11-29. Review status: criteria provided, single submitter. Criteria: LabCorp Variant Classification Summary - May 2015. Collection method: clinical testing. Allele origin: germline.
Comment: Variant summary: EMD c.266-35_266-18dup18 alters the nucleotide sequence located close to a canonical splice site, potentially affecting mRNA splicing which could lead to a significantly altered protein sequence. However, 4/4 computational tools predict no significant impact on normal splicing; these predictions have yet to be confirmed by functional studies. The variant allele was found at a frequency of 0.011 in 201103 control chromosomes in the gnomAD database, including 46 homozygotes and 516 hemizygotes. The observed variant frequency is approximately 10-fold of the estimated maximal expected allele frequency for a pathogenic variant in EMD causing Emery-Dreifuss Muscular Dystrophy phenotype (0.001), strongly suggesting that the variant is benign. To our knowledge, no occurrence of c.266-35_266-18dup18 in individuals affected with Emery-Dreifuss Muscular Dystrophy and no experimental evidence demonstrating its impact on protein function have been reported. One ClinVar submitter has provided clinical-significance assessments for this variant after 2014, where the variant was assessed as benign. Based on the evidence outlined above, the variant was classified as benign.

GeneDx
Classification: Benign. Last evaluated: 2018-08-17. Review status: criteria provided, single submitter. Criteria: GeneDx Variant Classification Process June 2021. Collection method: clinical testing. Allele origin: germline. Affected: yes.

Natera, Inc.
Classification: Benign for Emery-Dreifuss muscular dystrophy. Last evaluated: 2019-09-27. Review status: no assertion criteria provided. Collection method: clinical testing. Allele origin: germline. Not counted in ClinVar's aggregate classification.